The following is an entry in ClinVar:

ClinVar aggregate classification (germline): Uncertain significance (1 of 4 stars; one submission).

Submission:

Labcorp Genetics (formerly Invitae), Labcorp
Classification: Uncertain significance. Last evaluated: 2026-01-19. Review status: criteria provided, single submitter. Criteria: Invitae Variant Classification Sherloc (09022015). Collection method: clinical testing. Allele origin: germline.
Comment: This sequence change replaces phenylalanine, which is neutral and non-polar, with leucine, which is neutral and non-polar, at codon 2154 of the ARID1A protein (p.Phe2154Leu). This variant is not present in population databases (gnomAD no frequency). This variant has not been reported in the literature in individuals affected with ARID1A-related conditions. ClinVar contains an entry for this variant (Variation ID: 2880763). Invitae Evidence Modeling of protein sequence and biophysical properties (such as structural, functional, and spatial information, amino acid conservation, physicochemical variation, residue mobility, and thermodynamic stability) indicates that this missense variant is not expected to disrupt ARID1A protein function with a negative predictive value of 80%. In summary, the available evidence is currently insufficient to determine the role of this variant in disease. Therefore, it has been classified as a Variant of Uncertain Significance.

NM_006015.6(ARID1A):c.6460T>C (p.Phe2154Leu)

Gene: ARID1A (AT-rich interaction domain 1A; plus strand). Cytogenetic location: 1p36.11.
Variant type: single nucleotide variant.
Coding change: c.6460T>C on transcript NM_006015.6 (MANE Select); coding-DNA position 6460, T replaced by C.
Protein change: p.Phe2154Leu; replaces phenylalanine 2154 with leucine.
Molecular consequence: missense variant.
Genome position (GRCh38, 1-based): chr1:26,780,358, T>C. VCF-style: chr1-26780358-T-C. GRCh37 (hg19) VCF-style: chr1-27106849-T-C.
Other names: c.5809T>C, p.Phe1937Leu (NM_139135.4); short protein forms F2154L, F1937L.
Identifiers: ClinVar variation 2880763 (VCV002880763.3), dbSNP rs2124149313, ClinGen allele CA339192478.